The following is an entry in ClinVar:

NM_139076.3(ABRAXAS1):c.515G>T (p.Gly172Val)

Gene: ABRAXAS1 (abraxas 1, BRCA1 A complex subunit; minus strand). Cytogenetic location: 4q21.23.
Variant type: single nucleotide variant.
Coding change: c.515G>T on transcript NM_139076.3 (MANE Select); coding-DNA position 515, G replaced by T.
Protein change: p.Gly172Val; replaces glycine 172 with valine.
Molecular consequence: missense variant.
Genome position (GRCh38, 1-based): chr4:83,469,113, C>A on the plus strand (G>T on the coding strand, the complement: ABRAXAS1 is on the minus strand). VCF-style: chr4-83469113-C-A. GRCh37 (hg19) VCF-style: chr4-84390266-C-A.
Other names: c.188G>T, p.Gly63Val (NM_001345962.2); short protein forms G172V, G63V.
Identifiers: ClinVar variation 1044628 (VCV001044628.8), dbSNP rs766408024, ClinGen allele CA357259570.

ClinVar aggregate classification (germline): Uncertain significance (1 of 4 stars; one submission).

Submission:

Labcorp Genetics (formerly Invitae), Labcorp
Classification: Uncertain significance. Last evaluated: 2017-06-10. Review status: criteria provided, single submitter. Criteria: Invitae Variant Classification Sherloc (09022015). Collection method: clinical testing. Allele origin: germline.
Comment: In summary, this variant has uncertain impact on FAM175A function. The available evidence is currently insufficient to determine its role in disease. Therefore, it has been classified as a Variant of Uncertain Significance. Algorithms developed to predict the effect of missense changes on protein structure and function do not agree on the potential impact of this missense change (SIFT: "Deleterious"; PolyPhen-2: "Probably Damaging"; Align-GVGD: "Class C0"). This variant has not been reported in the literature in individuals with a FAM175A-related disease. This variant is not present in population databases (ExAC no frequency). This sequence change replaces glycine with valine at codon 172 of the FAM175A protein (p.Gly172Val). The glycine residue is highly conserved and there is a moderate physicochemical difference between glycine and valine.